The following is an entry in ClinVar:

ClinVar aggregate classification (germline): Uncertain significance. Review status: criteria provided, multiple submitters, no conflicts (2 of 4 stars). 2 submissions from 2 submitters: Uncertain significance (2). Last evaluated 2022-10-24.

Allele frequency attached by ClinVar (database versions not stated): gnomAD exomes below 0.00001; gnomAD 0.00001; TOPMed 0.00001.
gnomAD v4.1: 3 of 1,613,572 alleles (0.00019%); highest among the groups gnomAD compares: African/African-American, 0.0027%; no homozygotes.

Submissions (2):

Labcorp Genetics (formerly Invitae), Labcorp
Classification: Uncertain significance. Last evaluated: 2022-10-24. Review status: criteria provided, single submitter. Criteria: Invitae Variant Classification Sherloc (09022015). Collection method: clinical testing. Allele origin: germline.
Comment: This sequence change replaces aspartic acid, which is acidic and polar, with glycine, which is neutral and non-polar, at codon 269 of the LCA5 protein (p.Asp269Gly). This variant is not present in population databases (gnomAD no frequency). This variant has not been reported in the literature in individuals affected with LCA5-related conditions. ClinVar contains an entry for this variant (Variation ID: 1446410). Advanced modeling of protein sequence and biophysical properties (such as structural, functional, and spatial information, amino acid conservation, physicochemical variation, residue mobility, and thermodynamic stability) performed at Invitae indicates that this missense variant is expected to disrupt LCA5 protein function. In summary, the available evidence is currently insufficient to determine the role of this variant in disease. Therefore, it has been classified as a Variant of Uncertain Significance.

Blueprint Genetics
Classification: Uncertain significance. Last evaluated: 2022-10-06. Review status: criteria provided, single submitter. Criteria: ACMG Guidelines, 2015. Collection method: clinical testing. Allele origin: germline.

NM_001122769.3(LCA5):c.806A>G (p.Asp269Gly)

Gene: LCA5 (lebercilin LCA5; minus strand). Cytogenetic location: 6q14.1.
Variant type: single nucleotide variant.
Coding change: c.806A>G on transcript NM_001122769.3 (MANE Select); coding-DNA position 806, A replaced by G.
Protein change: p.Asp269Gly; replaces aspartic acid 269 with glycine.
Molecular consequence: missense variant.
Genome position (GRCh38, 1-based): chr6:79,493,665, T>C on the plus strand (A>G on the coding strand, the complement: LCA5 is on the minus strand). VCF-style: chr6-79493665-T-C. GRCh37 (hg19) VCF-style: chr6-80203382-T-C.
Other names: c.806A>G, p.Asp269Gly (NM_181714.4); short protein forms D269G.
Identifiers: ClinVar variation 1446410 (VCV001446410.4), dbSNP rs1317512790, ClinGen allele CA364645307.